The following is an entry in ClinVar:

ClinVar aggregate classification (germline): Conflicting classifications of pathogenicity. Review status: criteria provided, conflicting classifications (1 of 4 stars). 5 submissions from 5 submitters: Uncertain significance (3); Benign (1); Likely benign (1). Last evaluated 2024-03-20.

Conditions:
Inborn genetic diseases. Identifiers: MedGen C0950123, MeSH D030342.
CHARGE syndrome (CHARGE). Also called: Hittner Hirsch Kreh syndrome; Coloboma, heart anomaly, choanal atresia, retardation, genital and ear anomalies; CHARGE association; Hall-Hittner syndrome; CHARGE ASSOCIATION--COLOBOMA, HEART ANOMALY, CHOANAL ATRESIA, RETARDATION, GENITAL AND EAR ANOMALIES. Identifiers: Orphanet 138, MedGen C0265354, MONDO:0008965.
Hypogonadotropic hypogonadism 5 with or without anosmia (KAL5). Also called: CHD7-Related GnRH Deficiency (Kallmann Syndrome 5); HYPOGONADOTROPIC HYPOGONADISM 5 WITH ANOSMIA; HYPOGONADOTROPHIC HYPOGONADISM 5 WITHOUT ANOSMIA. Identifiers: Orphanet 478, MedGen C3552553, MONDO:0012880, OMIM 612370. Disease mechanism: loss of function.

Allele frequency attached by ClinVar (database versions not stated): ExAC 0.00001; gnomAD 0.00001; gnomAD exomes 0.00001; TOPMed 0.00002.
gnomAD v4.1: 18 of 1,613,832 alleles (0.0011%); highest among the groups gnomAD compares: Admixed American, 0.0017%; no homozygotes.

Submissions (5):

Fulgent Genetics
Classification: Uncertain significance for CHD7-related CHARGE syndrome; Hypogonadotropic hypogonadism 5 with or without anosmia. Last evaluated: 2024-03-20. Review status: criteria provided, single submitter. Criteria: ACMG Guidelines, 2015. Collection method: clinical testing. Allele origin: germline.

Labcorp Genetics (formerly Invitae), Labcorp
Classification: Benign for CHARGE syndrome. Last evaluated: 2023-10-05. Review status: criteria provided, single submitter. Criteria: Invitae Variant Classification Sherloc (09022015). Collection method: clinical testing. Allele origin: germline.

GeneDx
Classification: Uncertain significance. Last evaluated: 2023-03-16. Review status: criteria provided, single submitter. Criteria: GeneDx Variant Classification Process June 2021. Collection method: clinical testing. Allele origin: germline. Affected: yes.
Comment: In silico analysis supports that this missense variant does not alter protein structure/function; Has not been previously published as pathogenic or benign to our knowledge

Ambry Genetics
Classification: Uncertain significance for Inborn genetic diseases. Last evaluated: 2023-02-16. Review status: criteria provided, single submitter. Criteria: Ambry Variant Classification Scheme 2023. Collection method: clinical testing. Allele origin: germline.
Comment: The p.P280R variant (also known as c.839C>G), located in coding exon 1 of the CHD7 gene, results from a C to G substitution at nucleotide position 839. The proline at codon 280 is replaced by arginine, an amino acid with dissimilar properties. This amino acid position is conserved. In addition, the in silico prediction for this alteration is inconclusive. Since supporting evidence is limited at this time, the clinical significance of this alteration remains unclear.

PreventionGenetics, part of Exact Sciences
Classification: Likely benign. Review status: criteria provided, single submitter. Criteria: ACMG Guidelines, 2015. Collection method: clinical testing. Allele origin: germline.

NM_017780.4(CHD7):c.839C>G (p.Pro280Arg)

Gene: CHD7 (chromodomain helicase DNA binding protein 7; plus strand). Cytogenetic location: 8q12.2.
Variant type: single nucleotide variant.
Coding change: c.839C>G on transcript NM_017780.4 (MANE Select); coding-DNA position 839, C replaced by G.
Protein change: p.Pro280Arg; replaces proline 280 with arginine.
Molecular consequence: missense variant.
Genome position (GRCh38, 1-based): chr8:60,742,271, C>G. VCF-style: chr8-60742271-C-G. GRCh37 (hg19) VCF-style: chr8-61654830-C-G.
Other names: c.839C>G, p.Pro280Arg (NM_001316690.1); c.839C>G (NM_017780.2); short protein forms P280R.
Identifiers: ClinVar variation 260917 (VCV000260917.10), dbSNP rs760775347, ClinGen allele CA4759393.